The following is an entry in ClinVar:

NM_019098.5(CNGB3):c.760C>T (p.Leu254Phe)

Gene: CNGB3 (cyclic nucleotide gated channel subunit beta 3; minus strand). Cytogenetic location: 8q21.3.
Variant type: single nucleotide variant.
Coding change: c.760C>T on transcript NM_019098.5 (MANE Select); coding-DNA position 760, C replaced by T.
Protein change: p.Leu254Phe; replaces leucine 254 with phenylalanine.
Molecular consequence: missense variant.
Genome position (GRCh38, 1-based): chr8:86,667,017, G>A on the plus strand (C>T on the coding strand, the complement: CNGB3 is on the minus strand). VCF-style: chr8-86667017-G-A. GRCh37 (hg19) VCF-style: chr8-87679245-G-A.
Other names: c.760C>T (NM_019098.4); short protein forms L254F.
Identifiers: ClinVar variation 1440707 (VCV001440707.6), dbSNP rs146828510, ClinGen allele CA4800281.

ClinVar aggregate classification (germline): Uncertain significance. Review status: criteria provided, multiple submitters, no conflicts (2 of 4 stars). 2 submissions from 2 submitters: Uncertain significance (2). Last evaluated 2024-12-10.

Conditions:
Inborn genetic diseases. Identifiers: MedGen C0950123, MeSH D030342.

Allele frequency attached by ClinVar (database versions not stated): gnomAD 0.00001; gnomAD exomes 0.00001; TOPMed 0.00001; ExAC 0.00002; 1000 Genomes Project 30x 0.00016; 1000 Genomes Project 0.00020.
gnomAD v4.1: 12 of 1,613,948 alleles (0.00074%); highest among the groups gnomAD compares: Non-Finnish European, 0.001%; no homozygotes.

Submissions (2):

Ambry Genetics
Classification: Uncertain significance for Inborn genetic diseases. Last evaluated: 2024-12-10. Review status: criteria provided, single submitter. Criteria: Ambry Variant Classification Scheme 2023. Collection method: clinical testing. Allele origin: germline.

Labcorp Genetics (formerly Invitae), Labcorp
Classification: Uncertain significance. Last evaluated: 2022-06-15. Review status: criteria provided, single submitter. Criteria: Invitae Variant Classification Sherloc (09022015). Collection method: clinical testing. Allele origin: germline.
Comment: This sequence change replaces leucine, which is neutral and non-polar, with phenylalanine, which is neutral and non-polar, at codon 254 of the CNGB3 protein (p.Leu254Phe). This variant is present in population databases (rs146828510, gnomAD 0.003%). This variant has not been reported in the literature in individuals affected with CNGB3-related conditions. Advanced modeling of protein sequence and biophysical properties (such as structural, functional, and spatial information, amino acid conservation, physicochemical variation, residue mobility, and thermodynamic stability) performed at Invitae indicates that this missense variant is not expected to disrupt CNGB3 protein function. In summary, the available evidence is currently insufficient to determine the role of this variant in disease. Therefore, it has been classified as a Variant of Uncertain Significance.